The following is an entry in ClinVar:

NM_000051.4(ATM):c.2965dup (p.Thr989fs)

Gene: ATM (ATM serine/threonine kinase; plus strand). Cytogenetic location: 11q22.3.
Variant type: Duplication.
Coding change: c.2965dup on transcript NM_000051.4 (MANE Select); coding-DNA position 2965, one base duplicated (A; older notation c.2965dupA).
Protein change: p.Thr989fs; shifts the reading frame from threonine 989.
Molecular consequence: frameshift variant.
Genome position (GRCh38, 1-based): chr11:108,271,294, A duplicated; the last of 4 consecutive A bases (chr11:108,271,291-108,271,294); duplicating any one gives the same sequence. VCF-style (leftmost placement, unchanged base first): chr11-108271290-T-TA. GRCh37 (hg19) VCF-style: chr11-108142017-T-TA.
Other names: c.2965dup, p.Thr989fs (NM_001351834.2); c.2965dupA (NM_000051.3); short protein forms T989fs.
Identifiers: ClinVar variation 5031417 (VCV005031417.1).

ClinVar aggregate classification (germline): Pathogenic (1 of 4 stars; one submission).

Conditions:
Hereditary cancer-predisposing syndrome. Also called: Neoplastic Syndromes, Hereditary; Tumor predisposition; Hereditary neoplastic syndrome; Hereditary Cancer Syndrome. Identifiers: Orphanet 140162, MedGen C0027672, MeSH D009386, MONDO:0015356.

Submission:

Ambry Genetics
Classification: Pathogenic for Hereditary cancer-predisposing syndrome. Last evaluated: 2026-06-30. Review status: criteria provided, single submitter. Criteria: Ambry Variant Classification Scheme 2023. Collection method: clinical testing. Allele origin: germline.
Comment: The c.2965dupA pathogenic mutation, located in coding exon 19 of the ATM gene, results from a duplication of A at nucleotide position 2965, causing a translational frameshift with a predicted alternate stop codon (p.T989Nfs*21). This variant is considered to be rare based on population cohorts in the Genome Aggregation Database (gnomAD). This alteration is expected to result in loss of function by premature protein truncation or nonsense-mediated mRNA decay. As such, this alteration is interpreted as a disease-causing mutation.